The following is an entry in ClinVar:

NM_017617.5(NOTCH1):c.3332A>G (p.Asp1111Gly)

Gene: NOTCH1 (notch receptor 1; minus strand). Cytogenetic location: 9q34.3.
Variant type: single nucleotide variant.
Coding change: c.3332A>G on transcript NM_017617.5 (MANE Select); coding-DNA position 3332, A replaced by G.
Protein change: p.Asp1111Gly; replaces aspartic acid 1111 with glycine.
Molecular consequence: missense variant.
Genome position (GRCh38, 1-based): chr9:136,508,133, T>C on the plus strand (A>G on the coding strand, the complement: NOTCH1 is on the minus strand). VCF-style: chr9-136508133-T-C. GRCh37 (hg19) VCF-style: chr9-139402585-T-C.
Other names: short protein forms D1111G.
Identifiers: ClinVar variation 1049066 (VCV001049066.1), dbSNP rs2133346648, ClinGen allele CA375551676.

ClinVar aggregate classification (germline): Uncertain significance (0 of 4 stars; one submission).

Allele frequency attached by ClinVar (database versions not stated): gnomAD exomes below 0.00001.

Submission:

Department of Pathology and Laboratory Medicine, Sinai Health System
Classification: Uncertain significance. Review status: no assertion criteria provided. Collection method: clinical testing. Allele origin: unknown. Affected: yes. Study: The Canadian Open Genetics Repository (COGR).
Comment: The NOTCH1 p.Asp1111Gly variant was not identified in the literature nor was it identified in dbSNP, ClinVar, LOVD 3.0 or in the following control databases: the 1000 Genomes Project, the NHLBI GO Exome Sequencing Project, or the Genome Aggregation Database (March 6, 2019, v2.1.1). The p.Asp1111 residue is not conserved in mammals and computational analyses (PolyPhen-2, SIFT, AlignGVGD, BLOSUM, MutationTaster) do not suggest a high likelihood of impact to the protein; however, this information is not predictive enough to rule out pathogenicity. The variant occurs outside of the splicing consensus sequence and three of four in silico or computational prediction software programs (SpliceSiteFinder, MaxEntScan, NNSPLICE, GeneSplicer) do not predict a difference in splicing. In summary, based on the above information the clinical significance of this variant cannot be determined with certainty at this time. This variant is classified as a variant of uncertain significance.